The following is an entry in ClinVar:

NM_173354.5(SIK1):c.1216G>A (p.Asp406Asn)

Gene: SIK1 (salt inducible kinase 1; minus strand). Cytogenetic location: 21q22.3.
Variant type: single nucleotide variant.
Coding change: c.1216G>A on transcript NM_173354.5 (MANE Select); coding-DNA position 1216, G replaced by A.
Protein change: p.Asp406Asn; replaces aspartic acid 406 with asparagine.
Molecular consequence: missense variant.
Genome position (GRCh38, 1-based): chr21:43,419,382, C>T on the plus strand (G>A on the coding strand, the complement: SIK1 is on the minus strand). VCF-style: chr21-43419382-C-T. GRCh37 (hg19) VCF-style: chr21-44839262-C-T.
Other names: short protein forms D406N.
Identifiers: ClinVar variation 1063555 (VCV001063555.9), dbSNP rs148319941, ClinGen allele CA321326097.

ClinVar aggregate classification (germline): Uncertain significance (1 of 4 stars; one submission).

Conditions:
Developmental and epileptic encephalopathy, 30 (DEE30). Also called: Epileptic encephalopathy, early infantile, 30. Identifiers: MedGen C4225360, MONDO:0014595, OMIM 616341.

Allele frequency attached by ClinVar (database versions not stated): ExAC 0.00001; ESP Exome Variant Server 0.00008.

Submission:

Labcorp Genetics (formerly Invitae), Labcorp
Classification: Uncertain significance for Developmental and epileptic encephalopathy, 30. Last evaluated: 2022-08-16. Review status: criteria provided, single submitter. Criteria: Invitae Variant Classification Sherloc (09022015). Collection method: clinical testing. Allele origin: germline.
Comment: In summary, the available evidence is currently insufficient to determine the role of this variant in disease. Therefore, it has been classified as a Variant of Uncertain Significance. Advanced modeling of protein sequence and biophysical properties (such as structural, functional, and spatial information, amino acid conservation, physicochemical variation, residue mobility, and thermodynamic stability) performed at Invitae indicates that this missense variant is not expected to disrupt SIK1 protein function. ClinVar contains an entry for this variant (Variation ID: 1063555). This variant has not been reported in the literature in individuals affected with SIK1-related conditions. This variant is present in population databases (rs148319941, gnomAD 0.007%). This sequence change replaces aspartic acid, which is acidic and polar, with asparagine, which is neutral and polar, at codon 406 of the SIK1 protein (p.Asp406Asn).